The following is an entry in ClinVar:

ClinVar aggregate classification (germline): Uncertain significance (1 of 4 stars; one submission).

Allele frequency attached by ClinVar (database versions not stated): gnomAD exomes 0.00001; ExAC 0.00001.

Submission:

Laboratory for Molecular Medicine, Mass General Brigham Personalized Medicine
Classification: Uncertain significance. Last evaluated: 2014-03-12. Review status: criteria provided, single submitter. Criteria: LMM Criteria. Collection method: clinical testing. Allele origin: germline. Observed: 1 variant allele.
Comment: The 883-15C>A variant in TMEM43 has not been previously reported in individuals with cardiomyopathy or in large population studies. This variant is located in the 3' splice region. Computational tools do not suggest an impact to splicing. However, this information is not predictive enough to rule out pathogenicity. Ad ditional information is needed to fully assess the clinical significance of the variant.

NM_024334.3(TMEM43):c.883-15C>A

Gene: TMEM43 (transmembrane protein 43; plus strand). Cytogenetic location: 3p25.1.
Variant type: single nucleotide variant.
Coding change: c.883-15C>A on transcript NM_024334.3 (MANE Select); 15 bases into the intron before coding-DNA position 883, C replaced by A.
Molecular consequence: intron variant.
Genome position (GRCh38, 1-based): chr3:14,139,165, C>A. VCF-style: chr3-14139165-C-A. GRCh37 (hg19) VCF-style: chr3-14180665-C-A.
Identifiers: ClinVar variation 179604 (VCV000179604.5), dbSNP rs727504984, ClinGen allele CA024788.